The following is an entry in ClinVar:

ClinVar aggregate classification (germline): Uncertain significance (1 of 4 stars; one submission).

Conditions:
Mucopolysaccharidosis, MPS-II (MPS2). Also called: Attenuated MPS (subtype; formerly known as mild MPS II); Severe MPS II; I2S deficiency; MPS 2; IDS deficiency; Sulfoiduronate sulfatase deficiency. Identifiers: Orphanet 580, Orphanet 79388, MedGen C0026705, MONDO:0010674, OMIM 309900.

Allele frequency attached by ClinVar (database versions not stated): TOPMed below 0.00001; ExAC 0.00001; gnomAD exomes 0.00001; gnomAD 0.00002.
gnomAD v4.1: 9 of 1,208,836 alleles (0.00074%); highest among the groups gnomAD compares: South Asian, 0.0088%; no homozygotes.

Submission:

Labcorp Genetics (formerly Invitae), Labcorp
Classification: Uncertain significance for Mucopolysaccharidosis, MPS-II. Last evaluated: 2025-10-24. Review status: criteria provided, single submitter. Criteria: Invitae Variant Classification Sherloc (09022015). Collection method: clinical testing. Allele origin: germline.
Comment: This sequence change replaces arginine, which is basic and polar, with cysteine, which is neutral and slightly polar, at codon 421 of the IDS protein (p.Arg421Cys). This variant is present in population databases (rs781825818, gnomAD 0.005%). This variant has not been reported in the literature in individuals affected with IDS-related conditions. ClinVar contains an entry for this variant (Variation ID: 1398903). Invitae Evidence Modeling of protein sequence and biophysical properties (such as structural, functional, and spatial information, amino acid conservation, physicochemical variation, residue mobility, and thermodynamic stability) indicates that this missense variant is not expected to disrupt IDS protein function with a negative predictive value of 80%. In summary, the available evidence is currently insufficient to determine the role of this variant in disease. Therefore, it has been classified as a Variant of Uncertain Significance.

NM_000202.8(IDS):c.1261C>T (p.Arg421Cys)

Gene: IDS (iduronate 2-sulfatase; minus strand). Cytogenetic location: Xq28.
Variant type: single nucleotide variant.
Coding change: c.1261C>T on transcript NM_000202.8 (MANE Select); coding-DNA position 1261, C replaced by T.
Protein change: p.Arg421Cys; replaces arginine 421 with cysteine.
Molecular consequence: missense variant.
Genome position (GRCh38, 1-based): chrX:149,483,138, G>A on the plus strand (C>T on the coding strand, the complement: IDS is on the minus strand). VCF-style: chrX-149483138-G-A. GRCh37 (hg19) VCF-style: chrX-148564669-G-A.
Other names: c.991C>T, p.Arg331Cys (NM_001166550.4); short protein forms R421C, R331C.
Identifiers: ClinVar variation 1398903 (VCV001398903.4), dbSNP rs781825818, ClinGen allele CA10537471.